The following is an entry in ClinVar:

ClinVar aggregate classification (germline): Likely pathogenic. Review status: reviewed by expert panel (3 of 4 stars). 2 submissions from 2 submitters: Likely pathogenic (1). 1 of the submissions does not count toward it. Last evaluated 2023-08-30.

Conditions:
CDH1-related diffuse gastric and lobular breast cancer syndrome. Also called: CDH1-related diffuse gastric and lobular breast cancer. Identifiers: MedGen CN311521, MONDO:0100488.
Hereditary diffuse gastric adenocarcinoma (HDGC). Also called: DIFFUSE GASTRIC AND LOBULAR BREAST CANCER SYNDROME. Identifiers: Orphanet 26106, MedGen C1708349, MONDO:0007648, OMIM 137215.

Submissions (2):

Clingen Gastric Cancer Variant Curation Expert Panel
Classification: Likely pathogenic for CDH1-related diffuse gastric and lobular breast cancer syndrome. Last evaluated: 2023-08-30. Review status: reviewed by expert panel. Criteria: ClinGen CDH1 ACMG Specifications V3.1. Collection method: curation. Allele origin: germline. Inheritance: Autosomal dominant inheritance.
Comment: The c.1137G>T p. (Thr379=) variant results in a G to non-G change at the last nucleotide of an exon (PVS1_Moderate). The variant is absent in the gnomAD cohort (PM2_Supporting). This variant affects the same splice site as a well-characterized splice variant with similar or worse in silico/ RNA predictions (PP3_Moderate). Additionally, this variant has been reported in at least one family meeting HDGC clinical criteria (PS4_Supporting; PMID: 26182300). In summary, this variant meets criteria to be classified as likely pathogenic based on the ACMG/AMP criteria applied as specified by the CDH1 Variant Curation Expert Panel (Variant Interpretation Guidelines Version 3.1): PVS1_Moderate, PM2_Supporting, PP3_Moderate, PS4_Supporting.

Myriad Genetics, Inc.
Classification: Likely pathogenic for Hereditary diffuse gastric adenocarcinoma. Last evaluated: 2023-06-13. Review status: criteria provided, single submitter. Criteria: Myriad Autosomal Dominant, Autosomal Recessive and X-Linked Classification Criteria (2023). Collection method: clinical testing. Allele origin: unknown. Not counted in ClinVar's aggregate classification.
Comment: This variant is considered likely pathogenic. mRNA analysis has demonstrated abnormal mRNA splicing occurs [Myriad internal data].

NM_004360.5(CDH1):c.1137G>T (p.Thr379=)

Gene: CDH1 (cadherin 1; plus strand). Cytogenetic location: 16q22.1.
Variant type: single nucleotide variant.
Coding change: c.1137G>T on transcript NM_004360.5 (MANE Select); coding-DNA position 1137, G replaced by T.
Protein change: p.Thr379=; no amino-acid change (threonine 379 retained).
Molecular consequence: synonymous variant. On other transcripts: 5 prime UTR variant (2).
Genome position (GRCh38, 1-based): chr16:68,812,263, G>T. VCF-style: chr16-68812263-G-T. GRCh37 (hg19) VCF-style: chr16-68846166-G-T.
Other names: c.1137G>T, p.Thr379= (NM_001317184.2); c.-479G>T (NM_001317185.2); c.-683G>T (NM_001317186.2); c.1137G>T (LRG_301t1).
Identifiers: ClinVar variation 599655 (VCV000599655.4), dbSNP rs587783050, ClinGen allele CA496153150.